The following is an entry in ClinVar:

NM_022726.4(ELOVL4):c.313G>A (p.Gly105Arg)

Gene: ELOVL4 (ELOVL fatty acid elongase 4; minus strand). Cytogenetic location: 6q14.1.
Variant type: single nucleotide variant.
Coding change: c.313G>A on transcript NM_022726.4 (MANE Select); coding-DNA position 313, G replaced by A.
Protein change: p.Gly105Arg; replaces glycine 105 with arginine.
Molecular consequence: missense variant.
Genome position (GRCh38, 1-based): chr6:79,925,008, C>T on the plus strand (G>A on the coding strand, the complement: ELOVL4 is on the minus strand). VCF-style: chr6-79925008-C-T. GRCh37 (hg19) VCF-style: chr6-80634725-C-T.
Other names: short protein forms G105R.
Identifiers: ClinVar variation 1017405 (VCV001017405.10), dbSNP rs774604918, ClinGen allele CA3901557.

ClinVar aggregate classification (germline): Uncertain significance. Review status: criteria provided, multiple submitters, no conflicts (2 of 4 stars). 4 submissions from 4 submitters: Uncertain significance (4). Last evaluated 2025-05-05.

Conditions:
Inborn genetic diseases. Identifiers: MedGen C0950123, MeSH D030342.

Allele frequency attached by ClinVar (database versions not stated): ExAC 0.00002; gnomAD 0.00006 and 0.00005; TOPMed 0.00010; gnomAD exomes 0.00001.
gnomAD v4.1: 33 of 1,606,208 alleles (0.0021%); highest among the groups gnomAD compares: African/African-American, 0.029%; no homozygotes.

Submissions (4):

Labcorp Genetics (formerly Invitae), Labcorp
Classification: Uncertain significance. Last evaluated: 2025-05-05. Review status: criteria provided, single submitter. Criteria: Invitae Variant Classification Sherloc (09022015). Collection method: clinical testing. Allele origin: germline.
Comment: This sequence change replaces glycine, which is neutral and non-polar, with arginine, which is basic and polar, at codon 105 of the ELOVL4 protein (p.Gly105Arg). This variant is present in population databases (rs774604918, gnomAD 0.02%). This variant has not been reported in the literature in individuals affected with ELOVL4-related conditions. ClinVar contains an entry for this variant (Variation ID: 1017405). Invitae Evidence Modeling of protein sequence and biophysical properties (such as structural, functional, and spatial information, amino acid conservation, physicochemical variation, residue mobility, and thermodynamic stability) indicates that this missense variant is not expected to disrupt ELOVL4 protein function with a negative predictive value of 80%. In summary, the available evidence is currently insufficient to determine the role of this variant in disease. Therefore, it has been classified as a Variant of Uncertain Significance.

Ambry Genetics
Classification: Uncertain significance for Inborn genetic diseases. Last evaluated: 2025-02-26. Review status: criteria provided, single submitter. Criteria: Ambry Variant Classification Scheme 2023. Collection method: clinical testing. Allele origin: germline.

GeneDx
Classification: Uncertain significance. Last evaluated: 2019-10-02. Review status: criteria provided, single submitter. Criteria: GeneDx Variant Classification Process June 2021. Collection method: clinical testing. Allele origin: germline. Affected: yes.
Comment: In silico analysis, which includes protein predictors and evolutionary conservation, supports a deleterious effect; Has not been previously published as pathogenic or benign to our knowledge

Blueprint Genetics
Classification: Uncertain significance. Last evaluated: 2018-12-18. Review status: criteria provided, single submitter. Criteria: ACMG Guidelines, 2015. Collection method: clinical testing. Allele origin: germline.